The following is an entry in ClinVar:

ClinVar aggregate classification (germline): Uncertain significance (1 of 4 stars; one submission).

Conditions:
Hypertrophic cardiomyopathy. Also called: HYPERTROPHIC MYOCARDIOPATHY. Identifiers: Orphanet 217569, MedGen C0007194, MeSH D002312, MONDO:0005045, HP:0001639.

Allele frequency attached by ClinVar (database versions not stated): gnomAD exomes below 0.00001; gnomAD 0.00001; TOPMed 0.00001.
gnomAD v4.1: 5 of 1,612,574 alleles (0.00031%); highest among the groups gnomAD compares: Non-Finnish European, 0.00042%; no homozygotes.

Submission:

Labcorp Genetics (formerly Invitae), Labcorp
Classification: Uncertain significance for Hypertrophic cardiomyopathy. Last evaluated: 2023-05-25. Review status: criteria provided, single submitter. Criteria: Invitae Variant Classification Sherloc (09022015). Collection method: clinical testing. Allele origin: germline.
Comment: This sequence change creates a premature translational stop signal (p.Arg1088*) in the MYOM1 gene. It is expected to result in an absent or disrupted protein product. However, the current clinical and genetic evidence is not sufficient to establish whether loss-of-function variants in MYOM1 cause disease. This variant is not present in population databases (gnomAD no frequency). This variant has not been reported in the literature in individuals affected with MYOM1-related conditions. In summary, the available evidence is currently insufficient to determine the role of this variant in disease. Therefore, it has been classified as a Variant of Uncertain Significance.

NM_003803.4(MYOM1):c.3262C>T (p.Arg1088Ter)

Gene: MYOM1 (myomesin 1; minus strand). Cytogenetic location: 18p11.31.
Variant type: single nucleotide variant.
Coding change: c.3262C>T on transcript NM_003803.4 (MANE Select); coding-DNA position 3262, C replaced by T.
Protein change: p.Arg1088Ter; replaces arginine 1088 with a stop codon.
Molecular consequence: nonsense.
Genome position (GRCh38, 1-based): chr18:3,116,372, G>A on the plus strand (C>T on the coding strand, the complement: MYOM1 is on the minus strand). VCF-style: chr18-3116372-G-A. GRCh37 (hg19) VCF-style: chr18-3116370-G-A.
Other names: c.2974C>T, p.Arg992Ter (NM_019856.2); short protein forms R1088*, R992*.
Identifiers: ClinVar variation 2854003 (VCV002854003.3), dbSNP rs1309360044, ClinGen allele CA401705742.